The following is an entry in ClinVar:

ClinVar aggregate classification (germline): Uncertain significance (1 of 4 stars; one submission).

Submission:

GeneDx
Classification: Uncertain significance. Last evaluated: 2026-03-04. Review status: criteria provided, single submitter. Criteria: GeneDx Variant Classification Process June 2021. Collection method: clinical testing. Allele origin: germline.
Comment: Not observed at significant frequency in large population cohorts (gnomAD); In silico analysis supports that this missense variant has a deleterious effect on protein structure/function; Has not been previously published as pathogenic or benign to our knowledge; Not located in one of the three hot-spot regions of the RYR2 gene, where the majority of pathogenic missense variants occur (PMID: 19926015); This variant is associated with the following publications: (PMID: 19926015)

NM_001035.3(RYR2):c.2552T>C (p.Leu851Pro)

Gene: RYR2 (ryanodine receptor 2; plus strand). Cytogenetic location: 1q43.
Variant type: single nucleotide variant.
Coding change: c.2552T>C on transcript NM_001035.3 (MANE Select); coding-DNA position 2552, T replaced by C.
Protein change: p.Leu851Pro; replaces leucine 851 with proline.
Molecular consequence: missense variant.
Genome position (GRCh38, 1-based): chr1:237,503,444, T>C. VCF-style: chr1-237503444-T-C. GRCh37 (hg19) VCF-style: chr1-237666744-T-C.
Other names: short protein forms L851P.
Identifiers: ClinVar variation 5008605 (VCV005008605.1).